The following is an entry in ClinVar:

NM_001754.5(RUNX1):c.408T>A (p.Asn136Lys)

Genes: RUNX1 (RUNX family transcription factor 1; minus strand), RUNX1-AS1 (RUNX1 antisense RNA 1; plus strand). Cytogenetic location: 21q22.12.
Variant type: single nucleotide variant.
Coding change: c.408T>A on transcript NM_001754.5 (MANE Select); coding-DNA position 408, T replaced by A.
Protein change: p.Asn136Lys; replaces asparagine 136 with lysine.
Molecular consequence: missense variant.
Genome position (GRCh38, 1-based): chr21:34,880,657, A>T on the plus strand (T>A on the coding strand, the complement: RUNX1 is on the minus strand). VCF-style: chr21-34880657-A-T. GRCh37 (hg19) VCF-style: chr21-36252954-A-T.
Other names: NM_001754.5(RUNX1):c.408T>A; p.Asn136Lys; c.327T>A, p.Asn109Lys (NM_001001890.3, NM_001122607.2); short protein forms N136K, N109K.
Identifiers: ClinVar variation 581279 (VCV000581279.10), dbSNP rs1569079130, ClinGen allele CA410202677.

ClinVar aggregate classification (germline): Uncertain significance. Review status: reviewed by expert panel (3 of 4 stars). 2 submissions from 2 submitters: Uncertain significance (1). 1 of the submissions does not count toward it. Last evaluated 2024-09-25.

Conditions:
Hereditary thrombocytopenia and hematologic cancer predisposition syndrome. Identifiers: Orphanet 71290, MedGen CN281654, MONDO:0011071.
Hereditary thrombocytopenia and hematological cancer predisposition syndrome associated with RUNX1. Also called: Familial Platelet Disorder with Propensity to Acute Myelogenous Leukemia; Familial thrombocytopenia with propensity to acute myelogenous leukemia; PLATELET DISORDER, ASPIRIN-LIKE; RUNX1 Familial Platelet Disorder with Associated Myeloid Malignancies. Identifiers: Orphanet 71290, MedGen C1832388, MeSH C563324, MONDO:0100083, OMIM 601399.

Submissions (2):

ClinGen Myeloid Malignancy Variant Curation Expert Panel
Classification: Uncertain significance for Hereditary thrombocytopenia and hematologic cancer predisposition syndrome. Last evaluated: 2024-09-25. Review status: reviewed by expert panel. Criteria: ClinGen MyeloMalig ACMG Specifications v2. Collection method: curation. Allele origin: germline. Inheritance: Autosomal dominant inheritance.
Comment: NM_001754.5(RUNX1):c.408T>A (p.Asn136Lys) is a missense variant which has a REVEL score ≥ 0.88 (0.883) (PP3). This variant affects a residue within the Runt Homology domain (AA 89-204) but does not affect an established hotspot residue (PM1_Supporting). This variant is completely absent from all population databases with at least 20x coverage for RUNX1 (PM2_Supporting). In summary, the clinical significance of this variant is uncertain. ACMG/AMP criteria applied, as specified by the Myeloid Malignancy Variant Curation Expert Panel for RUNX1: PP3, PM1_Supporting, PM2_Supporting.

Labcorp Genetics (formerly Invitae), Labcorp
Classification: Uncertain significance for Hereditary thrombocytopenia and hematological cancer predisposition syndrome associated with RUNX1. Last evaluated: 2018-04-27. Review status: criteria provided, single submitter. Criteria: Invitae Variant Classification Sherloc (09022015). Collection method: clinical testing. Allele origin: germline. Not counted in ClinVar's aggregate classification.
Comment: This sequence change replaces asparagine with lysine at codon 136 of the RUNX1 protein (p.Asn136Lys). The asparagine residue is moderately conserved and there is a moderate physicochemical difference between asparagine and lysine. This variant is not present in population databases (ExAC no frequency). This variant has been observed in an individual affected with chronic myelomonocytic leukemia (PMID: 25840971). In summary, the available evidence is currently insufficient to determine the role of this variant in disease. Therefore, it has been classified as a Variant of Uncertain Significance. Experimental studies have shown that this missense change impairs the normal function of RUNX1 protein (PMID: 25840971).

Literature cited by the submitters: PubMed 25840971 (cited by Labcorp Genetics (formerly Invitae), Labcorp).